The following is an entry in ClinVar:

NM_006231.4(POLE):c.88T>G (p.Ser30Ala)

Gene: POLE (DNA polymerase epsilon, catalytic subunit; minus strand). Cytogenetic location: 12q24.33.
Variant type: single nucleotide variant.
Coding change: c.88T>G on transcript NM_006231.4 (MANE Select); coding-DNA position 88, T replaced by G.
Protein change: p.Ser30Ala; replaces serine 30 with alanine.
Molecular consequence: missense variant.
Genome position (GRCh38, 1-based): chr12:132,681,254, A>C on the plus strand (T>G on the coding strand, the complement: POLE is on the minus strand). VCF-style: chr12-132681254-A-C. GRCh37 (hg19) VCF-style: chr12-133257840-A-C.
Other names: short protein forms S30A.
Identifiers: ClinVar variation 2114073 (VCV002114073.4), dbSNP rs2136034778, ClinGen allele CA387370565.

ClinVar aggregate classification (germline): Uncertain significance (1 of 4 stars; one submission).

Submission:

Labcorp Genetics (formerly Invitae), Labcorp
Classification: Uncertain significance. Last evaluated: 2022-03-18. Review status: criteria provided, single submitter. Criteria: Invitae Variant Classification Sherloc (09022015). Collection method: clinical testing. Allele origin: germline.
Comment: This variant has not been reported in the literature in individuals affected with POLE-related conditions. This sequence change replaces serine, which is neutral and polar, with alanine, which is neutral and non-polar, at codon 30 of the POLE protein (p.Ser30Ala). This variant is not present in population databases (gnomAD no frequency). Algorithms developed to predict the effect of missense changes on protein structure and function (SIFT, PolyPhen-2, Align-GVGD) all suggest that this variant is likely to be tolerated. In summary, the available evidence is currently insufficient to determine the role of this variant in disease. Therefore, it has been classified as a Variant of Uncertain Significance.